The following is an entry in ClinVar:

ClinVar aggregate classification (germline): Likely benign (1 of 4 stars; one submission).

gnomAD v4.1: 7 of 151,512 alleles (0.0046%); highest among the groups gnomAD compares: Non-Finnish European, 0.0059%; no homozygotes.

Submission:

CeGaT Center for Human Genetics Tuebingen
Classification: Likely benign. Last evaluated: 2025-06-01. Review status: criteria provided, single submitter. Criteria: CeGaT Center For Human Genetics Tuebingen Variant Classification Criteria Version 2. Collection method: clinical testing. Allele origin: germline. Affected: yes. Observed: 1 variant allele.
Comment: DLG1: BP4, BP7

NM_001366207.1(DLG1):c.1165+4112G>A

Gene: DLG1 (discs large MAGUK scaffold protein 1; minus strand). Cytogenetic location: 3q29.
Variant type: single nucleotide variant.
Coding change: c.1165+4112G>A on transcript NM_001366207.1 (MANE Select); 4112 bases into the intron after coding-DNA position 1165, G replaced by A.
Molecular consequence: intron variant.
Genome position (GRCh38, 1-based): chr3:197,126,415, C>T on the plus strand (G>A on the coding strand, the complement: DLG1 is on the minus strand). VCF-style: chr3-197126415-C-T. GRCh37 (hg19) VCF-style: chr3-196853286-C-T.
Other names: c.1111+4112G>A (NM_001366203.1, NM_001366206.1, NM_001366216.1 and 2 more transcripts); c.1264+4112G>A (NM_001290983.2, NM_001098424.1, NM_004087.2 and 2 more transcripts); c.1165+4112G>A (NM_001366204.1, NM_001366205.1, NM_001366208.1 and 9 more transcripts); c.916+4112G>A (NM_001204388.2, NM_001204387.2); c.1015+4112G>A (NM_001366222.1, NM_001366221.1).
Identifiers: ClinVar variation 3906140 (VCV003906140.10).
Genomic context (GRCh38, chr3:197,126,415, plus strand): 5'-AATCCCAGCTACTGAGGCAAGAGAATGGCTTGAATCTGGGAGGCAGAGGTTGTGGTGATC[C>T]GAGATCACGCCACTGCACTCCAGCCTGGGCAACAAGAGCGAAACTCCATCTTAAAAAAAA-3'